The following is an entry in ClinVar:

ClinVar aggregate classification (germline): Likely benign. Review status: criteria provided, multiple submitters, no conflicts (2 of 4 stars). 3 submissions from 3 submitters: Likely benign (2). 1 of the submissions does not count toward it. Last evaluated 2026-08-01.

Conditions:
MEOX1-related disorder. Also called: MEOX1-related condition.

Allele frequency attached by ClinVar (database versions not stated): gnomAD exomes 0.00016; ExAC 0.00019; 1000 Genomes Project 0.00020; gnomAD 0.00023; ESP Exome Variant Server 0.00024; TOPMed 0.00030; 1000 Genomes Project 30x 0.00031.
gnomAD v4.1: 274 of 1,564,530 alleles (0.018%); highest among the groups gnomAD compares: Admixed American, 0.047%; no homozygotes.

Submissions (3):

CeGaT Center for Human Genetics Tuebingen
Classification: Likely benign. Last evaluated: 2026-08-01. Review status: criteria provided, single submitter. Criteria: CeGaT Center For Human Genetics Tuebingen Variant Classification Criteria Version 2. Collection method: clinical testing. Allele origin: germline. Affected: yes. Observed: 1 variant allele.
Comment: MEOX1: BP4, BP7

Labcorp Genetics (formerly Invitae), Labcorp
Classification: Likely benign. Last evaluated: 2026-01-22. Review status: criteria provided, single submitter. Criteria: Invitae Variant Classification Sherloc (09022015). Collection method: clinical testing. Allele origin: germline.

PreventionGenetics, part of Exact Sciences
Classification: Likely benign for MEOX1-related condition. Last evaluated: 2024-04-02. Review status: no assertion criteria provided. Collection method: clinical testing. Allele origin: germline. Not counted in ClinVar's aggregate classification.
Comment: This variant is classified as likely benign based on ACMG/AMP sequence variant interpretation guidelines (Richards et al. 2015 PMID: 25741868, with internal and published modifications).

NM_004527.4(MEOX1):c.12G>A (p.Ala4=)

Gene: MEOX1 (mesenchyme homeobox 1; minus strand). Cytogenetic location: 17q21.31.
Variant type: single nucleotide variant.
Coding change: c.12G>A on transcript NM_004527.4 (MANE Select); coding-DNA position 12, G replaced by A.
Protein change: p.Ala4=; no amino-acid change (alanine 4 retained).
Molecular consequence: synonymous variant. On other transcripts: intron variant (1).
Genome position (GRCh38, 1-based): chr17:43,661,523, C>T on the plus strand (G>A on the coding strand, the complement: MEOX1 is on the minus strand). VCF-style: chr17-43661523-C-T. GRCh37 (hg19) VCF-style: chr17-41738891-C-T.
Other names: c.12G>A, p.Ala4= (NM_013999.4); c.-204-130G>A (NM_001040002.2).
Identifiers: ClinVar variation 722853 (VCV000722853.12), dbSNP rs375591515, ClinGen allele CA8592722.
Genomic context (GRCh38, chr17:43,661,523, plus strand): 5'-GTTTCGAAGGCAGCCCCAGACAGGGGCTGGGGGCTGGAGGCTCCTCATGCAGCTGCTGGC[C>T]GCGGGATCCATCTGCTGTCCGCTGCACGCCTCGGTCCTTTCAAAGATTTGATTCTTTATA-3'
Protein context (NP_004518.1, residues 1-14): MDP[Ala4=]ASSCMRSLQP